The following is an entry in ClinVar:

ClinVar aggregate classification (germline): Pathogenic. Review status: criteria provided, multiple submitters, no conflicts (2 of 4 stars). 4 submissions from 4 submitters: Pathogenic (4). Last evaluated 2025-12-24.

Conditions:
Neurofibromatosis, type 1 (NF1). Also called: Neurofibromatosis, type I; VON RECKLINGHAUSEN DISEASE; NEUROFIBROMATOSIS, TYPE I, SOMATIC; Peripheral type neurofibromatosis. Identifiers: Orphanet 636, MedGen C0027831, MONDO:0018975, OMIM 162200. Disease mechanism: loss of function.
Cardiovascular phenotype. Identifiers: MedGen CN230736.
Hereditary cancer-predisposing syndrome. Also called: Hereditary Cancer Syndrome; Hereditary neoplastic syndrome; Tumor predisposition; Neoplastic Syndromes, Hereditary. Identifiers: Orphanet 140162, MedGen C0027672, MeSH D009386, MONDO:0015356.

Submissions (4):

Labcorp Genetics (formerly Invitae), Labcorp
Classification: Pathogenic for Neurofibromatosis, type 1. Last evaluated: 2025-12-24. Review status: criteria provided, single submitter. Criteria: Invitae Variant Classification Sherloc (09022015). Collection method: clinical testing. Allele origin: germline.
Comment: This sequence change affects the initiator codon of the NF1 mRNA. This change may impact translation initiation or efficiency. The next in-frame methionine is located at codon 68. This variant is not present in population databases (gnomAD no frequency). Disruption of the initiator codon has been observed in individuals with neurofibromatosis type 1 (PMID: 23668869, 23913538, 31573083). ClinVar contains an entry for this variant (Variation ID: 1455045). For these reasons, this variant has been classified as Pathogenic.

Molecular Pathology, Peter Maccallum Cancer Centre
Classification: Pathogenic for Neurofibromatosis, type 1. Last evaluated: 2024-01-24. Review status: criteria provided, single submitter. Criteria: ACMG Guidelines, 2015. Collection method: clinical testing. Allele origin: germline. Inheritance: Autosomal dominant inheritance.

GeneDx
Classification: Pathogenic. Last evaluated: 2023-05-04. Review status: criteria provided, single submitter. Criteria: GeneDx Variant Classification Process June 2021. Collection method: clinical testing. Allele origin: germline. Affected: yes.
Comment: Initiation codon variant in a gene for which loss of function is a known mechanism of disease; Not observed at significant frequency in large population cohorts (gnomAD); This variant is associated with the following publications: (PMID: 31573083, 20844836, 23913538)

Ambry Genetics
Classification: Pathogenic for Cardiovascular phenotype; Hereditary cancer-predisposing syndrome. Last evaluated: 2021-08-30. Review status: criteria provided, single submitter. Criteria: Ambry Variant Classification Scheme 2023. Collection method: clinical testing. Allele origin: germline.
Comment: The p.M1? pathogenic mutation (also known as c.1A>T) is located in coding exon 1 of the NF1 gene and results from an A to T substitution at nucleotide position 1. This alters the methionine residue at the initiation codon (ATG). This mutation has been identified in at least one individual with a clinical diagnosis of neurofibromatosis type 1 (Ambry internal data). This variant is considered to be rare based on population cohorts in the Genome Aggregation Database (gnomAD). Sequence variations that modify the initiation codon are expected to result in either loss of translation initiation, N-terminal truncation, or cause a shift in the mRNA reading frame. Based on the supporting evidence, this alteration is interpreted as a disease-causing mutation.

Literature cited by the submitters: PubMed 23668869 (cited by Labcorp Genetics (formerly Invitae), Labcorp); PubMed 23913538 (cited by Labcorp Genetics (formerly Invitae), Labcorp); PubMed 31573083 (cited by Labcorp Genetics (formerly Invitae), Labcorp).

NM_001042492.3(NF1):c.1A>T (p.Met1Leu)

Genes: MIR4733HG (MIR4733 host gene; minus strand), NF1 (neurofibromin 1; plus strand), LOC111811965 (NF1 (neurofibromin 1) promoter region; plus strand). Cytogenetic location: 17q11.2.
Variant type: single nucleotide variant.
Coding change: c.1A>T on transcript NM_001042492.3 (MANE Select); coding-DNA position 1, A replaced by T.
Protein change: p.Met1Leu; changes the start codon (methionine 1).
Molecular consequence: missense variant, initiator codon variant. On other transcripts: non-coding transcript variant (1).
Genome position (GRCh38, 1-based): chr17:31,095,310, A>T. VCF-style: chr17-31095310-A-T. GRCh37 (hg19) VCF-style: chr17-29422328-A-T.
Other names: c.1A>T, p.Met1Leu (NM_000267.4, NM_001128147.3); short protein forms M1L.
Identifiers: ClinVar variation 1455045 (VCV001455045.10), dbSNP rs1060500252, ClinGen allele CA398979144.
Genomic context (GRCh38, chr17:31,095,310, plus strand): 5'-TTCCCGGCCCAGGGCGCCGGCCCACCCTTCCCTCCGCCGCCCCCCGGCCGCGGGGAGGAC[A>T]TGGCCGCGCACAGGCCGGTGGAATGGGTCCAGGCCGTGGTCAGCCGCTTCGACGAGCAGG-3'
Protein context (NP_001035957.1, residues 1-11): [Met1Leu]AAHRPVEWVQ